The following is an entry in ClinVar:

NM_001080426.3(STYXL2):c.359G>A (p.Arg120Gln)

Gene: STYXL2 (serine/threonine/tyrosine interacting like 2; plus strand). Cytogenetic location: 1q24.1.
Variant type: single nucleotide variant.
Coding change: c.359G>A on transcript NM_001080426.3 (MANE Select); coding-DNA position 359, G replaced by A.
Protein change: p.Arg120Gln; replaces arginine 120 with glutamine.
Molecular consequence: missense variant.
Genome position (GRCh38, 1-based): chr1:167,117,481, G>A. VCF-style: chr1-167117481-G-A. GRCh37 (hg19) VCF-style: chr1-167086718-G-A.
Other names: c.359G>A (NM_001080426.1); short protein forms R120Q.
Identifiers: ClinVar variation 2639527 (VCV002639527.25), dbSNP rs149732757, ClinGen allele CA1224426.

ClinVar aggregate classification (germline): Conflicting classifications of pathogenicity. Review status: criteria provided, conflicting classifications (1 of 4 stars). 2 submissions from 2 submitters: Uncertain significance (1); Likely benign (1). Last evaluated 2025-08-02.

Allele frequency attached by ClinVar (database versions not stated): ESP Exome Variant Server 0.00254; 1000 Genomes Project 0.00260; 1000 Genomes Project 30x 0.00281.
gnomAD v4.1: 5,356 of 1,612,296 alleles (0.33%); highest among the groups gnomAD compares: Middle Eastern, 0.81%; 18 homozygotes.

Submissions (2):

Ambry Genetics
Classification: Uncertain significance. Last evaluated: 2025-08-02. Review status: criteria provided, single submitter. Criteria: Ambry Variant Classification Scheme 2023. Collection method: clinical testing. Allele origin: germline.

CeGaT Center for Human Genetics Tuebingen
Classification: Likely benign. Last evaluated: 2023-04-01. Review status: criteria provided, single submitter. Criteria: CeGaT Center For Human Genetics Tuebingen Variant Classification Criteria Version 2. Collection method: clinical testing. Allele origin: germline. Affected: yes. Observed: 1 variant allele.
Comment: STYXL2: BP4, BS2